The following is an entry in ClinVar:

NM_030632.3(ASXL3):c.3039+1G>T

Gene: ASXL3 (ASXL transcriptional regulator 3; plus strand). Cytogenetic location: 18q12.1.
Variant type: single nucleotide variant.
Coding change: c.3039+1G>T on transcript NM_030632.3 (MANE Select); the canonical splice donor site of the intron after coding-DNA position 3039, G replaced by T.
Molecular consequence: splice donor variant.
Genome position (GRCh38, 1-based): chr18:33,740,444, G>T. VCF-style: chr18-33740444-G-T. GRCh37 (hg19) VCF-style: chr18-31320408-G-T.
Identifiers: ClinVar variation 1328153 (VCV001328153.4), dbSNP rs1555743003, ClinGen allele CA402182259.

ClinVar aggregate classification (germline): Pathogenic (1 of 4 stars; one submission).

Conditions:
Bainbridge-Ropers syndrome. Also called: Severe feeding difficulties-failure to thrive-microcephaly due to ASXL3 deficiency syndrome. Identifiers: Orphanet 352577, MedGen C4750837, MONDO:0014205, OMIM 615485.

Submission:

Illumina Laboratory Services, Illumina
Classification: Pathogenic for Bainbridge-Ropers syndrome. Last evaluated: 2021-08-23. Review status: criteria provided, single submitter. Criteria: ICSLVariantClassificationCriteria RUGD 01 April 2020. Collection method: clinical testing. Allele origin: unknown.
Comment: The ASXL3 c.3039+1G>T variant occurs in a canonical splice site (donor) of exon 11, which is the penultimate exon, and is therefore predicted to disrupt the normal gene product. A literature search was performed for the gene and the cDNA change but no publications were found based on this search. However, the c.3039+1G>A variant, which is a different nucleotide change affecting the same donor splice site position, has been reported in a de novo state in a patient in the literature (Hori et al. 2016). This variant is not found in the Genome Aggregation Database in a region of good sequence coverage, indicating the variant is rare. Based on the available evidence, the c.3039+1G>T variant is classified as pathogenic for Bainbridge-Ropers syndrome.

Literature cited by the submitters: PubMed 27075689.